The following is an entry in ClinVar:

ClinVar aggregate classification (germline): Likely pathogenic (1 of 4 stars; one submission).

Conditions:
Dilated cardiomyopathy 1G (CMD1G). Identifiers: Orphanet 154, MedGen C1858763, MONDO:0011400, OMIM 604145.
Autosomal recessive limb-girdle muscular dystrophy type 2J (LGMDR10). Also called: Limb-girdle muscular dystrophy, type 2J; MUSCULAR DYSTROPHY, LIMB-GIRDLE, AUTOSOMAL RECESSIVE 10. Identifiers: Orphanet 140922, MedGen C1837342, MONDO:0012127, OMIM 608807.

Submission:

Labcorp Genetics (formerly Invitae), Labcorp
Classification: Likely pathogenic for Dilated cardiomyopathy 1G; Autosomal recessive limb-girdle muscular dystrophy type 2J. Last evaluated: 2024-10-18. Review status: criteria provided, single submitter. Criteria: Invitae Variant Classification Sherloc (09022015). Collection method: clinical testing. Allele origin: germline.
Comment: This sequence change creates a premature translational stop signal (p.Asn14750Metfs*14) in the TTN gene. While this is not anticipated to result in nonsense mediated decay, it is expected to create a truncated TTN protein. This variant is not present in population databases (gnomAD no frequency). This variant has not been reported in the literature in individuals affected with TTN-related conditions. ClinVar contains an entry for this variant (Variation ID: 1040840). This variant is located in the I band of TTN (PMID: 25589632). Truncating variants in this region have been reported in individuals affected with autosomal recessive centronuclear myopathy (PMID: 23975875, internal data). Truncating variants in this region have also been identified in individuals affected with autosomal dominant dilated cardiomyopathy and/or cardio-related conditions (PMID: 27869827, 32964742, internal data). In summary, the currently available evidence indicates that the variant is pathogenic, but additional data are needed to prove that conclusively. Therefore, this variant has been classified as Likely Pathogenic.

Literature cited by the submitters: PubMed 25589632; PubMed 23975875; PubMed 27869827; PubMed 32964742.

NM_001267550.2(TTN):c.44247del (p.Asn14750fs)

Gene: TTN (titin; minus strand). Cytogenetic location: 2q31.2.
Variant type: Deletion.
Coding change: c.44247del on transcript NM_001267550.2 (MANE Select); coding-DNA position 44247, one base deleted (C; older notation c.44247delC).
Protein change: p.Asn14750fs; shifts the reading frame from asparagine 14750.
Molecular consequence: frameshift variant.
Genome position (GRCh38, 1-based): chr2:178,630,275, G deleted on the plus strand (C on the coding strand, the reverse complement: TTN is on the minus strand); the first of 2 consecutive G bases (chr2:178,630,275-178,630,276); deleting either gives the same sequence. VCF-style (leftmost placement, unchanged base first): chr2-178630274-TG-T. GRCh37 (hg19) VCF-style: chr2-179495001-TG-T.
Other names: c.39324del, p.Asn13109fs (NM_001256850.1); c.17052del, p.Asn5685fs (NM_003319.4); c.36543del, p.Asn12182fs (NM_133378.4); c.17427del, p.Asn5810fs (NM_133432.3); c.17628del, p.Asn5877fs (NM_133437.4); short protein forms N12182fs, N5685fs, N5810fs, N13109fs, N14750fs, N5877fs.
Identifiers: ClinVar variation 1040840 (VCV001040840.11), dbSNP rs2059639706, ClinGen allele CA1310555910.